The following is an entry in ClinVar:

ClinVar aggregate classification (germline): Pathogenic (1 of 4 stars; one submission).

Conditions:
Kabuki syndrome. Also called: Kabuki make-up syndrome; NIIKAWA-KUROKI SYNDROME. Identifiers: Orphanet 2322, MedGen C0796004, MONDO:0016512.

Submission:

Labcorp Genetics (formerly Invitae), Labcorp
Classification: Pathogenic for Kabuki syndrome. Last evaluated: 2018-11-09. Review status: criteria provided, single submitter. Criteria: Invitae Variant Classification Sherloc (09022015). Collection method: clinical testing. Allele origin: germline.
Comment: This sequence change creates a premature translational stop signal (p.Gln3990*) in the KMT2D gene. It is expected to result in an absent or disrupted protein product. This variant is not present in population databases (ExAC no frequency). This variant has not been reported in the literature in individuals with KMT2D-related disease. Loss-of-function variants in KMT2D are known to be pathogenic (PMID: 22126750). For these reasons, this variant has been classified as Pathogenic.

NM_003482.4(KMT2D):c.11968C>T (p.Gln3990Ter)

Gene: KMT2D (lysine methyltransferase 2D; minus strand). Cytogenetic location: 12q13.12.
Variant type: single nucleotide variant.
Coding change: c.11968C>T on transcript NM_003482.4 (MANE Select); coding-DNA position 11968, C replaced by T.
Protein change: p.Gln3990Ter; replaces glutamine 3990 with a stop codon.
Molecular consequence: nonsense.
Genome position (GRCh38, 1-based): chr12:49,032,737, G>A on the plus strand (C>T on the coding strand, the complement: KMT2D is on the minus strand). VCF-style: chr12-49032737-G-A. GRCh37 (hg19) VCF-style: chr12-49426520-G-A.
Other names: short protein forms Q3990*.
Identifiers: ClinVar variation 649558 (VCV000649558.1), dbSNP rs1592118976, ClinGen allele CA384713719.